The following is an entry in ClinVar:

NM_004655.4(AXIN2):c.1857C>T (p.Val619=)

Gene: AXIN2 (axin 2; minus strand). Cytogenetic location: 17q24.1.
Variant type: single nucleotide variant.
Coding change: c.1857C>T on transcript NM_004655.4 (MANE Select); coding-DNA position 1857, C replaced by T.
Protein change: p.Val619=; no amino-acid change (valine 619 retained).
Molecular consequence: synonymous variant. On other transcripts: intron variant (1).
Genome position (GRCh38, 1-based): chr17:65,536,919, G>A on the plus strand (C>T on the coding strand, the complement: AXIN2 is on the minus strand). VCF-style: chr17-65536919-G-A. GRCh37 (hg19) VCF-style: chr17-63533037-G-A.
Other names: c.1713-366C>T (NM_001363813.1).
Identifiers: ClinVar variation 761312 (VCV000761312.10), dbSNP rs756196500, ClinGen allele CA8718510.

ClinVar aggregate classification (germline): Benign/Likely benign. Review status: criteria provided, multiple submitters, no conflicts (2 of 4 stars). 3 submissions from 3 submitters: Benign (1); Likely benign (2). Last evaluated 2024-07-08.

Conditions:
Hereditary cancer-predisposing syndrome. Also called: Tumor predisposition; Neoplastic Syndromes, Hereditary; Hereditary Cancer Syndrome; Hereditary neoplastic syndrome. Identifiers: Orphanet 140162, MedGen C0027672, MeSH D009386, MONDO:0015356.
Oligodontia-cancer predisposition syndrome. Also called: TOOTH AGENESIS-COLORECTAL CANCER SYNDROME. Identifiers: Orphanet 300576, MedGen C1837750, MONDO:0012075, OMIM 608615. Disease mechanism: loss of function.

Submissions (3):

Myriad Genetics, Inc.
Classification: Benign for Oligodontia-cancer predisposition syndrome. Last evaluated: 2024-07-08. Review status: criteria provided, single submitter. Criteria: Myriad Autosomal Dominant, Autosomal Recessive and X-Linked Classification Criteria (2023). Collection method: clinical testing. Allele origin: unknown.
Comment: This variant is considered benign. This variant is a silent/synonymous amino acid change and it is not expected to impact splicing.

Labcorp Genetics (formerly Invitae), Labcorp
Classification: Likely benign for Oligodontia-cancer predisposition syndrome. Last evaluated: 2023-07-27. Review status: criteria provided, single submitter. Criteria: Invitae Variant Classification Sherloc (09022015). Collection method: clinical testing. Allele origin: germline.

Ambry Genetics
Classification: Likely benign for Hereditary cancer-predisposing syndrome. Last evaluated: 2023-06-24. Review status: criteria provided, single submitter. Criteria: Ambry Variant Classification Scheme 2023. Collection method: clinical testing. Allele origin: germline.